The following is an entry in ClinVar:

ClinVar aggregate classification (germline): Uncertain significance. Review status: criteria provided, multiple submitters, no conflicts (2 of 4 stars). 3 submissions from 3 submitters: Uncertain significance (3). Last evaluated 2025-05-05.

Conditions:
Hereditary cancer-predisposing syndrome. Also called: Tumor predisposition; Neoplastic Syndromes, Hereditary; Hereditary Cancer Syndrome; Hereditary neoplastic syndrome. Identifiers: Orphanet 140162, MedGen C0027672, MeSH D009386, MONDO:0015356.
EGFR-related lung cancer (EGFR). Identifiers: MedGen CN130014.

Allele frequency attached by ClinVar (database versions not stated): gnomAD exomes 0.00001 and 0.00002; ExAC 0.00003.
gnomAD v4.1: 21 of 1,613,804 alleles (0.0013%); highest among the groups gnomAD compares: South Asian, 0.021%; no homozygotes.

Submissions (3):

Labcorp Genetics (formerly Invitae), Labcorp
Classification: Uncertain significance for EGFR-related lung cancer. Last evaluated: 2025-05-05. Review status: criteria provided, single submitter. Criteria: Invitae Variant Classification Sherloc (09022015). Collection method: clinical testing. Allele origin: germline.
Comment: This sequence change replaces isoleucine, which is neutral and non-polar, with leucine, which is neutral and non-polar, at codon 789 of the EGFR protein (p.Ile789Leu). This variant is present in population databases (rs767674013, gnomAD 0.02%). This variant has not been reported in the literature in individuals affected with EGFR-related conditions. ClinVar contains an entry for this variant (Variation ID: 1380650). Invitae Evidence Modeling of protein sequence and biophysical properties (such as structural, functional, and spatial information, amino acid conservation, physicochemical variation, residue mobility, and thermodynamic stability) indicates that this missense variant is expected to disrupt EGFR protein function with a positive predictive value of 80%. In summary, the available evidence is currently insufficient to determine the role of this variant in disease. Therefore, it has been classified as a Variant of Uncertain Significance.

Ambry Genetics
Classification: Uncertain significance for Hereditary cancer-predisposing syndrome. Last evaluated: 2025-05-03. Review status: criteria provided, single submitter. Criteria: Ambry Variant Classification Scheme 2023. Collection method: clinical testing. Allele origin: germline.
Comment: The p.I789L variant (also known as c.2365A>C), located in coding exon 20 of the EGFR gene, results from an A to C substitution at nucleotide position 2365. The isoleucine at codon 789 is replaced by leucine, an amino acid with highly similar properties. This amino acid position is not well conserved in available vertebrate species. In addition, the in silico prediction for this alteration is inconclusive. Based on the available evidence, the clinical significance of this variant remains unclear.

Sema4
Classification: Uncertain significance for Hereditary cancer-predisposing syndrome. Last evaluated: 2022-01-18. Review status: criteria provided, single submitter. Criteria: Sema4 Curation Guidelines. Collection method: curation. Allele origin: germline.
Comment: The EGFR c.2365A>C (p.I789L) variant has been reported in one individual with lung cancer but it is unclear whether the variant was germline or somatic (PMID: 30981987). It was observed in 5/30616 chromosomes of the South Asian subpopulation in the large and broad cohorts of the Genome Aggregation Database (PMID: 32461654). The variant has not been reported in ClinVar. Functional studies have not been performed, and in silico predictions of the variant's effect on protein function are inconclusive. The evidence is insufficient to meet ACMG/AMP criteria for classifying the variant as benign or pathogenic. Thus, the clinical significance of this variant is currently uncertain.

Literature cited by the submitters: PubMed 30981987 (cited by Sema4).

NM_005228.5(EGFR):c.2365A>C (p.Ile789Leu)

Genes: EGFR-AS1 (EGFR antisense RNA 1; minus strand), EGFR (epidermal growth factor receptor; plus strand). Cytogenetic location: 7p11.2.
Variant type: single nucleotide variant.
Coding change: c.2365A>C on transcript NM_005228.5 (MANE Select); coding-DNA position 2365, A replaced by C.
Protein change: p.Ile789Leu; replaces isoleucine 789 with leucine.
Molecular consequence: missense variant. On other transcripts: non-coding transcript variant (1).
Genome position (GRCh38, 1-based): chr7:55,181,374, A>C. VCF-style: chr7-55181374-A-C. GRCh37 (hg19) VCF-style: chr7-55249067-A-C.
Other names: c.2230A>C, p.Ile744Leu (NM_001346897.2, NM_001346899.2); c.2365A>C, p.Ile789Leu (NM_001346898.2); c.2206A>C, p.Ile736Leu (NM_001346900.2); c.1564A>C, p.Ile522Leu (NM_001346941.2); short protein forms I522L, I736L, I744L, I789L.
Identifiers: ClinVar variation 1380650 (VCV001380650.8), dbSNP rs767674013, ClinGen allele CA4266061.